The following is an entry in ClinVar:

NM_005982.4(SIX1):c.559A>G (p.Arg187Gly)

Gene: SIX1 (SIX homeobox 1; minus strand). Cytogenetic location: 14q23.1.
Variant type: single nucleotide variant.
Coding change: c.559A>G on transcript NM_005982.4 (MANE Select); coding-DNA position 559, A replaced by G.
Protein change: p.Arg187Gly; replaces arginine 187 with glycine.
Molecular consequence: missense variant.
Genome position (GRCh38, 1-based): chr14:60,648,631, T>C on the plus strand (A>G on the coding strand, the complement: SIX1 is on the minus strand). VCF-style: chr14-60648631-T-C. GRCh37 (hg19) VCF-style: chr14-61115349-T-C.
Other names: short protein forms R187G.
Identifiers: ClinVar variation 1311450 (VCV001311450.2), dbSNP rs1594673095, ClinGen allele CA389910048.
Genomic context (GRCh38, chr14:60,648,631, plus strand): 5'-GCGGAGGAGAAAGGACGGCTTCCTAGGGTCGCCCGAGTCGCGGGAAGCACGCCGCGTACC[T>C]TTCCTTGGCCTCCGCGGCCCGGTCTCTTTGCCTCCGGTTCTTAAACCAGTTGCTGACCTG-3'
Protein context (NP_005973.1, residues 177-197): QRDRAAEAKE[Arg187Gly]ENTENNNSSS

ClinVar aggregate classification (germline): Uncertain significance (1 of 4 stars; one submission).

Allele frequency attached by ClinVar (database versions not stated): gnomAD exomes below 0.00001; TOPMed below 0.00001.
gnomAD v4.1: 3 of 1,612,062 alleles (0.00019%); highest among the groups gnomAD compares: South Asian, 0.0011%; no homozygotes.

Submission:

GeneDx
Classification: Uncertain significance. Last evaluated: 2020-01-23. Review status: criteria provided, single submitter. Criteria: GeneDx Variant Classification Process June 2021. Collection method: clinical testing. Allele origin: germline. Affected: yes.
Comment: Not observed in large population cohorts (Lek et al., 2016); In silico analysis, which includes protein predictors and evolutionary conservation, supports that this variant does not alter protein structure/function; Has not been previously published as pathogenic or benign to our knowledge